The following is an entry in ClinVar:

NM_001291303.3(FAT4):c.14465G>T (p.Arg4822Ile)

Gene: FAT4 (FAT atypical cadherin 4; plus strand). Cytogenetic location: 4q28.1.
Variant type: single nucleotide variant.
Coding change: c.14465G>T on transcript NM_001291303.3 (MANE Select); coding-DNA position 14465, G replaced by T.
Protein change: p.Arg4822Ile; replaces arginine 4822 with isoleucine.
Molecular consequence: missense variant.
Genome position (GRCh38, 1-based): chr4:125,491,281, G>T. VCF-style: chr4-125491281-G-T. GRCh37 (hg19) VCF-style: chr4-126412436-G-T.
Other names: c.14462G>T, p.Arg4821Ile (NM_001291285.3); c.14459G>T, p.Arg4820Ile (NM_024582.6); c.14459G>T (NM_024582.5); short protein forms R4821I, R4820I, R4822I.
Identifiers: ClinVar variation 1940528 (VCV001940528.4), dbSNP rs779440961, ClinGen allele CA3074567.

ClinVar aggregate classification (germline): Uncertain significance. Review status: criteria provided, multiple submitters, no conflicts (2 of 4 stars). 2 submissions from 2 submitters: Uncertain significance (2). Last evaluated 2024-02-24.

Conditions:
Van Maldergem syndrome 2 (VMLDS2). Identifiers: Orphanet 314679, MedGen C3809875, MONDO:0014242, OMIM 615546.
Hennekam lymphangiectasia-lymphedema syndrome 2 (HKLLS2). Identifiers: Orphanet 2136, MedGen C4014939, MONDO:0014454, OMIM 616006.

Allele frequency attached by ClinVar (database versions not stated): ExAC 0.00001; gnomAD exomes 0.00001.
gnomAD v4.1: 4 of 1,614,164 alleles (0.00025%); highest among the groups gnomAD compares: Admixed American, 0.0067%; no homozygotes.

Submissions (2):

Fulgent Genetics
Classification: Uncertain significance for Van Maldergem syndrome 2; Hennekam lymphangiectasia-lymphedema syndrome 2. Last evaluated: 2024-02-24. Review status: criteria provided, single submitter. Criteria: ACMG Guidelines, 2015. Collection method: clinical testing. Allele origin: germline.

Labcorp Genetics (formerly Invitae), Labcorp
Classification: Uncertain significance. Last evaluated: 2024-01-24. Review status: criteria provided, single submitter. Criteria: Invitae Variant Classification Sherloc (09022015). Collection method: clinical testing. Allele origin: germline.
Comment: This sequence change replaces arginine, which is basic and polar, with isoleucine, which is neutral and non-polar, at codon 4820 of the FAT4 protein (p.Arg4820Ile). This variant is present in population databases (rs779440961, gnomAD 0.01%). This variant has not been reported in the literature in individuals affected with FAT4-related conditions. ClinVar contains an entry for this variant (Variation ID: 1940528). Advanced modeling of protein sequence and biophysical properties (such as structural, functional, and spatial information, amino acid conservation, physicochemical variation, residue mobility, and thermodynamic stability) performed at Invitae indicates that this missense variant is not expected to disrupt FAT4 protein function with a negative predictive value of 95%. In summary, the available evidence is currently insufficient to determine the role of this variant in disease. Therefore, it has been classified as a Variant of Uncertain Significance.